The following is an entry in ClinVar:

NM_147127.5(EVC2):c.352del (p.Ala118fs)

Gene: EVC2 (EvC ciliary complex subunit 2; minus strand). Cytogenetic location: 4p16.2.
Variant type: Deletion.
Coding change: c.352del on transcript NM_147127.5 (MANE Select); coding-DNA position 352, one base deleted (G; older notation c.352delG).
Protein change: p.Ala118fs; shifts the reading frame from alanine 118.
Molecular consequence: frameshift variant.
Genome position (GRCh38, 1-based): chr4:5,694,433, C deleted on the plus strand (G on the coding strand, the reverse complement: EVC2 is on the minus strand). VCF-style (leftmost placement, unchanged base first): chr4-5694432-GC-G. GRCh37 (hg19) VCF-style: chr4-5696159-GC-G.
Other names: c.112del, p.Ala38fs (NM_001166136.2); short protein forms A118fs, A38fs.
Identifiers: ClinVar variation 5014077 (VCV005014077.1).

ClinVar aggregate classification (germline): Pathogenic (1 of 4 stars; one submission).

Conditions:
Ellis-van Creveld syndrome (EVC). Also called: MESOECTODERMAL DYSPLASIA; Chondroectodermal dysplasia. Identifiers: Orphanet 289, MedGen C0013903, MONDO:0009162, OMIM 225500.

Submission:

Myriad Genetics, Inc.
Classification: Pathogenic for Ellis-van Creveld syndrome. Last evaluated: 2025-02-09. Review status: criteria provided, single submitter. Criteria: Myriad Autosomal Dominant, Autosomal Recessive and X-Linked Classification Criteria (2023). Collection method: clinical testing. Allele origin: unknown.
Comment: NM_147127.4(EVC2):c.352delG(A118Pfs*29) is expected to be pathogenic in the context of EVC2-related Ellis-van Creveld syndrome. This variant is predicted to lead to an abnormal or absent protein product due to the creation of a premature termination codon in EVC2, a gene where loss-of-function variants are known to be pathogenic. Please note: this variant was assessed in the context of healthy population screening.